The following is an entry in ClinVar:

ClinVar aggregate classification (germline): Uncertain significance (1 of 4 stars; one submission).

gnomAD v4.1: 19 of 1,529,894 alleles (0.0012%); highest among the groups gnomAD compares: Non-Finnish European, 0.0017%; no homozygotes.

Submission:

Women's Health and Genetics/Laboratory Corporation of America, LabCorp
Classification: Uncertain significance. Last evaluated: 2026-06-29. Review status: criteria provided, single submitter. Criteria: LabCorp Variant Classification Summary - May 2015. Collection method: clinical testing. Allele origin: germline.
Comment: Variant summary: CDH15 c.1652C>T (p.Pro551Leu) results in a non-conservative amino acid change in the encoded protein sequence. Algorithms developed to predict the effect of missense changes on protein structure and function are either unavailable or do not agree on the potential impact of this missense change. The variant was absent in 125174 control chromosomes. The available data on variant occurrences in the general population are insufficient to allow any conclusion about variant significance. To our knowledge, no occurrence of c.1652C>T in individuals affected with CDH15-related conditions and no experimental evidence demonstrating its impact on protein function have been reported. No submitters have cited clinical-significance assessments for this variant to ClinVar. Based on the evidence outlined above, the variant was classified as uncertain significance.

NM_004933.3(CDH15):c.1652C>T (p.Pro551Leu)

Gene: CDH15 (cadherin 15; plus strand). Cytogenetic location: 16q24.3.
Variant type: single nucleotide variant.
Coding change: c.1652C>T on transcript NM_004933.3 (MANE Select); coding-DNA position 1652, C replaced by T.
Protein change: p.Pro551Leu; replaces proline 551 with leucine.
Molecular consequence: missense variant.
Genome position (GRCh38, 1-based): chr16:89,192,241, C>T. VCF-style: chr16-89192241-C-T. GRCh37 (hg19) VCF-style: chr16-89258649-C-T.
Other names: short protein forms P551L.
Identifiers: ClinVar variation 4887617 (VCV004887617.1).